The following is an entry in ClinVar:

ClinVar aggregate classification (germline): Likely pathogenic (1 of 4 stars; one submission).

Conditions:
Intellectual developmental disorder, autosomal dominant 65. Also called: MENTAL RETARDATION, AUTOSOMAL DOMINANT 65. Identifiers: MedGen C5543371, MONDO:0023657, OMIM 619320.

Submission:

3billion
Classification: Likely pathogenic for Intellectual developmental disorder, autosomal dominant 65. Last evaluated: 2024-08-22. Review status: criteria provided, single submitter. Criteria: ACMG Guidelines, 2015. Collection method: clinical testing. Allele origin: germline. Affected: yes.
Comment: The variant is not observed in the gnomAD v4.0.0 dataset. Predicted Consequence/Location: Stop-gained (nonsense): predicted to result in a loss or disruption of normal protein function through nonsense-mediated decay (NMD) or protein truncation. Multiple pathogenic variants are reported downstream of the variant. Therefore, this variant is classified as Likely pathogenic according to the recommendation of ACMG/AMP guideline.

NM_015015.3(KDM4B):c.253C>T (p.Gln85Ter)

Gene: KDM4B (lysine demethylase 4B; plus strand). Cytogenetic location: 19p13.3.
Variant type: single nucleotide variant.
Coding change: c.253C>T on transcript NM_015015.3 (MANE Select); coding-DNA position 253, C replaced by T.
Protein change: p.Gln85Ter; replaces glutamine 85 with a stop codon.
Molecular consequence: nonsense.
Genome position (GRCh38, 1-based): chr19:5,039,947, C>T. VCF-style: chr19-5039947-C-T. GRCh37 (hg19) VCF-style: chr19-5039958-C-T.
Other names: c.253C>T, p.Gln85Ter (NM_001411148.1, NM_001370093.1, NM_001370094.1); short protein forms Q85*.
Identifiers: ClinVar variation 4293687 (VCV004293687.1).